The following is an entry in ClinVar:

NM_198428.3(BBS9):c.2381A>G (p.Asn794Ser)

Gene: BBS9 (Bardet-Biedl syndrome 9; plus strand). Cytogenetic location: 7p14.3.
Variant type: single nucleotide variant.
Coding change: c.2381A>G on transcript NM_198428.3 (MANE Select); coding-DNA position 2381, A replaced by G.
Protein change: p.Asn794Ser; replaces asparagine 794 with serine.
Molecular consequence: missense variant. On other transcripts: non-coding transcript variant (3).
Genome position (GRCh38, 1-based): chr7:33,534,036, A>G. VCF-style: chr7-33534036-A-G. GRCh37 (hg19) VCF-style: chr7-33573648-A-G.
Other names: c.2276A>G, p.Asn759Ser (NM_001033604.2); c.2366A>G, p.Asn789Ser (NM_001033605.2); c.2381A>G, p.Asn794Ser (NM_001348036.1, NM_001348041.4, NM_001348043.3 and 1 more transcripts); c.1832A>G, p.Asn611Ser (NM_001348037.3); c.2108A>G, p.Asn703Ser (NM_001348038.3); c.2003A>G, p.Asn668Ser (NM_001348039.3); c.2261A>G, p.Asn754Ser (NM_001348040.3, NM_014451.4); c.2246A>G, p.Asn749Ser (NM_001348042.3); and 2 more; short protein forms N668S, N749S, N789S, N794S, N703S, N637S, N759S, N611S.
Identifiers: ClinVar variation 934179 (VCV000934179.13), dbSNP rs774701632, ClinGen allele CA4214674.

ClinVar aggregate classification (germline): Uncertain significance. Review status: criteria provided, multiple submitters, no conflicts (2 of 4 stars). 5 submissions from 5 submitters: Uncertain significance (5). Last evaluated 2026-08-25.

Conditions:
Bardet-Biedl syndrome 9 (BBS9). Identifiers: Orphanet 110, MedGen C1859567, MONDO:0014437, OMIM 615986.
Inborn genetic diseases. Identifiers: MedGen C0950123, MeSH D030342.
BBS9-related disorder. Also called: BBS9-related condition.
Bardet-Biedl syndrome (BBS). Identifiers: Orphanet 110, MedGen C0752166, MONDO:0015229.

Allele frequency attached by ClinVar (database versions not stated): gnomAD 0.00001; ExAC 0.00002; gnomAD exomes 0.00004 and 0.00007; TOPMed 0.00005.
gnomAD v4.1: 26 of 1,614,062 alleles (0.0016%); highest among the groups gnomAD compares: Admixed American, 0.042%; no homozygotes.

Submissions (5):

PreventionGenetics, part of Exact Sciences
Classification: Uncertain significance for BBS9-related condition. Last evaluated: 2026-08-25. Review status: criteria provided, single submitter. Criteria: ACMG Guidelines, 2015. Collection method: clinical testing. Allele origin: germline.
Comment: The BBS9 c.2381A>G variant is predicted to result in the amino acid substitution p.Asn794Ser. To our knowledge, this variant has not been reported in the literature. This variant is reported in 0.052% of alleles in individuals of Latino descent in gnomAD, which may be too common to be the primary cause of disease. Although we suspect that this variant may be benign, at this time, the clinical significance of this variant is uncertain due to the absence of conclusive functional and genetic evidence.

Blueprint Genetics
Classification: Uncertain significance. Last evaluated: 2024-07-04. Review status: criteria provided, single submitter. Criteria: ACMG Guidelines, 2015. Collection method: clinical testing. Allele origin: germline.

Labcorp Genetics (formerly Invitae), Labcorp
Classification: Uncertain significance for Bardet-Biedl syndrome. Last evaluated: 2024-01-22. Review status: criteria provided, single submitter. Criteria: Invitae Variant Classification Sherloc (09022015). Collection method: clinical testing. Allele origin: germline.
Comment: This sequence change replaces asparagine, which is neutral and polar, with serine, which is neutral and polar, at codon 794 of the BBS9 protein (p.Asn794Ser). This variant is present in population databases (rs774701632, gnomAD 0.05%). This variant has not been reported in the literature in individuals affected with BBS9-related conditions. ClinVar contains an entry for this variant (Variation ID: 934179). Advanced modeling of protein sequence and biophysical properties (such as structural, functional, and spatial information, amino acid conservation, physicochemical variation, residue mobility, and thermodynamic stability) performed at Invitae indicates that this missense variant is not expected to disrupt BBS9 protein function with a negative predictive value of 80%. In summary, the available evidence is currently insufficient to determine the role of this variant in disease. Therefore, it has been classified as a Variant of Uncertain Significance.

Ambry Genetics
Classification: Uncertain significance for Inborn genetic diseases. Last evaluated: 2023-08-15. Review status: criteria provided, single submitter. Criteria: Ambry Variant Classification Scheme 2023. Collection method: clinical testing. Allele origin: germline.

Fulgent Genetics
Classification: Uncertain significance for Bardet-Biedl syndrome 9. Last evaluated: 2022-02-05. Review status: criteria provided, single submitter. Criteria: ACMG Guidelines, 2015. Collection method: clinical testing. Allele origin: unknown.